The following is an entry in ClinVar:

NM_030632.3(ASXL3):c.3498A>C (p.Arg1166Ser)

Gene: ASXL3 (ASXL transcriptional regulator 3; plus strand). Cytogenetic location: 18q12.1.
Variant type: single nucleotide variant.
Coding change: c.3498A>C on transcript NM_030632.3 (MANE Select); coding-DNA position 3498, A replaced by C.
Protein change: p.Arg1166Ser; replaces arginine 1166 with serine.
Molecular consequence: missense variant.
Genome position (GRCh38, 1-based): chr18:33,743,346, A>C. VCF-style: chr18-33743346-A-C. GRCh37 (hg19) VCF-style: chr18-31323310-A-C.
Other names: short protein forms R1166S.
Identifiers: ClinVar variation 1690513 (VCV001690513.2), dbSNP rs996643867, ClinGen allele CA402185468.

ClinVar aggregate classification (germline): Uncertain significance (1 of 4 stars; one submission).

Allele frequency attached by ClinVar (database versions not stated): gnomAD exomes below 0.00001.
gnomAD v4.1: 2 of 1,613,738 alleles (0.00012%); highest among the groups gnomAD compares: South Asian, 0.0011%; no homozygotes.

Submission:

Laboratorio de Genetica e Diagnostico Molecular, Hospital Israelita Albert Einstein
Classification: Uncertain significance. Last evaluated: 2021-12-09. Review status: criteria provided, single submitter. Criteria: ACMG Guidelines, 2015. Collection method: clinical testing. Allele origin: germline. Affected: yes.
Comment: ACMG classification criteria: PM2, BP4